The following is an entry in ClinVar:

NM_003500.4(ACOX2):c.6C>A (p.Gly2=)

Gene: ACOX2 (acyl-CoA oxidase 2; minus strand). Cytogenetic location: 3p14.3.
Variant type: single nucleotide variant.
Coding change: c.6C>A on transcript NM_003500.4 (MANE Select); coding-DNA position 6, C replaced by A.
Protein change: p.Gly2=; no amino-acid change (glycine 2 retained).
Molecular consequence: synonymous variant.
Genome position (GRCh38, 1-based): chr3:58,535,101, G>T on the plus strand (C>A on the coding strand, the complement: ACOX2 is on the minus strand). VCF-style: chr3-58535101-G-T. GRCh37 (hg19) VCF-style: chr3-58520828-G-T.
Other names: c.6C>A (NM_003500.3).
Identifiers: ClinVar variation 2192577 (VCV002192577.5), dbSNP rs138186508, ClinGen allele CA2472562.

ClinVar aggregate classification (germline): Likely benign. Review status: criteria provided, single submitter (1 of 4 stars). 2 submissions from 2 submitters: Likely benign (1). 1 of the submissions does not count toward it. Last evaluated 2026-01-02.

Conditions:
ACOX2-related disorder. Also called: ACOX2-related condition.

Allele frequency attached by ClinVar (database versions not stated): ExAC 0.00004; ESP Exome Variant Server 0.00015; gnomAD 0.00015; TOPMed 0.00018.
gnomAD v4.1: 51 of 1,614,066 alleles (0.0032%); highest among the groups gnomAD compares: African/African-American, 0.067%; no homozygotes.

Submissions (2):

Labcorp Genetics (formerly Invitae), Labcorp
Classification: Likely benign. Last evaluated: 2026-01-02. Review status: criteria provided, single submitter. Criteria: Invitae Variant Classification Sherloc (09022015). Collection method: clinical testing. Allele origin: germline.

PreventionGenetics, part of Exact Sciences
Classification: Likely benign for ACOX2-related condition. Last evaluated: 2024-08-11. Review status: no assertion criteria provided. Collection method: clinical testing. Allele origin: germline. Not counted in ClinVar's aggregate classification.
Comment: This variant is classified as likely benign based on ACMG/AMP sequence variant interpretation guidelines (Richards et al. 2015 PMID: 25741868, with internal and published modifications).